The following is an entry in ClinVar:

ClinVar aggregate classification (germline): Uncertain significance (1 of 4 stars; one submission).

Allele frequency attached by ClinVar (database versions not stated): gnomAD exomes 0.00001.
gnomAD v4.1: 19 of 1,613,534 alleles (0.0012%); highest among the groups gnomAD compares: South Asian, 0.0022%; no homozygotes.

Submission:

Labcorp Genetics (formerly Invitae), Labcorp
Classification: Uncertain significance. Last evaluated: 2021-11-03. Review status: criteria provided, single submitter. Criteria: Invitae Variant Classification Sherloc (09022015). Collection method: clinical testing. Allele origin: germline.
Comment: This sequence change replaces serine, which is neutral and polar, with leucine, which is neutral and non-polar, at codon 34 of the GTF2E2 protein (p.Ser34Leu). This variant is not present in population databases (gnomAD no frequency). This variant has not been reported in the literature in individuals affected with GTF2E2-related conditions. Algorithms developed to predict the effect of missense changes on protein structure and function are either unavailable or do not agree on the potential impact of this missense change (SIFT: "Deleterious"; PolyPhen-2: "Benign"; Align-GVGD: "Class C0"). In summary, the available evidence is currently insufficient to determine the role of this variant in disease. Therefore, it has been classified as a Variant of Uncertain Significance.

NM_002095.6(GTF2E2):c.101C>T (p.Ser34Leu)

Gene: GTF2E2 (general transcription factor IIE subunit 2; minus strand). Cytogenetic location: 8p12.
Variant type: single nucleotide variant.
Coding change: c.101C>T on transcript NM_002095.6 (MANE Select); coding-DNA position 101, C replaced by T.
Protein change: p.Ser34Leu; replaces serine 34 with leucine.
Molecular consequence: missense variant.
Genome position (GRCh38, 1-based): chr8:30,653,498, G>A on the plus strand (C>T on the coding strand, the complement: GTF2E2 is on the minus strand). VCF-style: chr8-30653498-G-A. GRCh37 (hg19) VCF-style: chr8-30511015-G-A.
Other names: c.101C>T, p.Ser34Leu (NM_001348353.1); short protein forms S34L.
Identifiers: ClinVar variation 1464572 (VCV001464572.6), dbSNP rs2128731140, ClinGen allele CA370877372.